The following is an entry in ClinVar:

ClinVar aggregate classification (germline): Benign. Review status: criteria provided, multiple submitters, no conflicts (2 of 4 stars). 3 submissions from 3 submitters: Benign (3). Last evaluated 2021-07-10.

Conditions:
Agenesis of the corpus callosum with peripheral neuropathy (ACCPN). Also called: CHARLEVOIX DISEASE; Hereditary Motor and Sensory Neuropathy with Agenesis of the Corpus Callosum; HMSN/ACC; POLYNEUROPATHY, SENSORIMOTOR, WITH OR WITHOUT AGENESIS OF THE CORPUS CALLOSUM. Identifiers: Orphanet 1496, MedGen C0795950, MONDO:0000902, OMIM 218000. Disease mechanism: loss of function.

Allele frequency attached by ClinVar (database versions not stated): ESP Exome Variant Server 0.96138; TOPMed 0.96409; 1000 Genomes Project 30x 0.96455; gnomAD 0.96544 and 0.96781; 1000 Genomes Project 0.96705; ExAC 0.98928; gnomAD exomes 0.99145 and 0.99603.
gnomAD v4.1: 944,235 of 952,478 alleles (99%); highest among the groups gnomAD compares: East Asian, 100%; 468,386 homozygotes.

Submissions (3):

Genome-Nilou Lab
Classification: Benign for Agenesis of the corpus callosum with peripheral neuropathy. Last evaluated: 2021-07-10. Review status: criteria provided, single submitter. Criteria: ACMG Guidelines, 2015. Collection method: clinical testing. Allele origin: germline. Affected: no.

GeneDx
Classification: Benign. Last evaluated: 2018-06-14. Review status: criteria provided, single submitter. Criteria: GeneDx Variant Classification (06012015). Collection method: clinical testing. Allele origin: germline. Affected: yes.
Comment: This variant is considered likely benign or benign based on one or more of the following criteria: it is a conservative change, it occurs at a poorly conserved position in the protein, it is predicted to be benign by multiple in silico algorithms, and/or has population frequency not consistent with disease.

Breakthrough Genomics
Classification: Benign. Review status: criteria provided, single submitter. Criteria: ACMG Guidelines, 2015. Collection method: not provided. Allele origin: germline. Inheritance: Autosomal recessive inheritance. Affected: yes.

NM_001365088.1(SLC12A6):c.1943+51G>A

Gene: SLC12A6 (solute carrier family 12 member 6; minus strand). Cytogenetic location: 15q14.
Variant type: single nucleotide variant.
Coding change: c.1943+51G>A on transcript NM_001365088.1 (MANE Select); 51 bases into the intron after coding-DNA position 1943, G replaced by A.
Molecular consequence: intron variant.
Genome position (GRCh38, 1-based): chr15:34,245,234, C>T on the plus strand (G>A on the coding strand, the complement: SLC12A6 is on the minus strand). VCF-style: chr15-34245234-C-T. GRCh37 (hg19) VCF-style: chr15-34537435-C-T.
Other names: c.1766+51G>A (NM_001042495.2, NM_001042494.2); c.1916+51G>A (NM_001042496.2); c.1898+51G>A (NM_001042497.2); c.1943+51G>A (NM_133647.2); c.1790+51G>A (NM_005135.2).
Identifiers: ClinVar variation 670566 (VCV000670566.5), dbSNP rs4371122, ClinGen allele CA7464180.
Genomic context (GRCh38, chr15:34,245,234, plus strand): 5'-CATCTGTATTTAGCCCACTCTGTTATCACTACTGTTATATGACTGATGGAAATAAACATG[C>T]ATTATTTATCATTTAAGCAAGAATAACTGAAGAGAATCACTGGCTCTTACATGGAAAGAA-3'